The following is an entry in ClinVar:

NM_000548.5(TSC2):c.4738C>T (p.Arg1580Trp)

Gene: TSC2 (TSC complex subunit 2; plus strand). Cytogenetic location: 16p13.3.
Variant type: single nucleotide variant.
Coding change: c.4738C>T on transcript NM_000548.5 (MANE Select); coding-DNA position 4738, C replaced by T.
Protein change: p.Arg1580Trp; replaces arginine 1580 with tryptophan.
Molecular consequence: missense variant.
Genome position (GRCh38, 1-based): chr16:2,086,268, C>T. VCF-style: chr16-2086268-C-T. GRCh37 (hg19) VCF-style: chr16-2136269-C-T.
Other names: c.4537C>T, p.Arg1513Trp (NM_001077183.3); c.4669C>T, p.Arg1557Trp (NM_001114382.3); c.4429C>T, p.Arg1477Trp (NM_001318827.2); c.4393C>T, p.Arg1465Trp (NM_001318829.2); c.4006C>T, p.Arg1336Trp (NM_001318831.2); c.4570C>T, p.Arg1524Trp (NM_001318832.2); c.4540C>T, p.Arg1514Trp (NM_001363528.2); c.4606C>T, p.Arg1536Trp (NM_001370404.1); and 1 more; short protein forms R1580W, R1524W, R1477W, R1513W, R1537W, R1465W, R1514W, R1536W.
Identifiers: ClinVar variation 567455 (VCV000567455.22), dbSNP rs777592623, ClinGen allele CA052399.

ClinVar aggregate classification (germline): Conflicting classifications of pathogenicity. Review status: criteria provided, conflicting classifications (1 of 4 stars). 6 submissions from 6 submitters: Uncertain significance (4); Likely benign (2). Last evaluated 2025-04-02.

Conditions:
Tuberous sclerosis 2 (TSC2). Identifiers: Orphanet 805, MedGen C1860707, MONDO:0013199, OMIM 613254.
Hereditary cancer-predisposing syndrome. Also called: Neoplastic Syndromes, Hereditary; Hereditary Cancer Syndrome; Hereditary neoplastic syndrome; Tumor predisposition. Identifiers: Orphanet 140162, MedGen C0027672, MeSH D009386, MONDO:0015356.
Isolated focal cortical dysplasia type II (FCORD2). Also called: CORTICAL DYSPLASIA OF TAYLOR; Focal cortical dysplasia type II. Identifiers: Orphanet 268994, MedGen C1846385, MONDO:0011818, OMIM 607341, HP:0032051.

Allele frequency attached by ClinVar (database versions not stated): gnomAD exomes 0.00001; ExAC 0.00002; gnomAD 0.00001; TOPMed below 0.00001.
gnomAD v4.1: 2 of 1,612,736 alleles (0.00012%); highest among the groups gnomAD compares: African/African-American, 0.0013%; no homozygotes.

Submissions (6):

Labcorp Genetics (formerly Invitae), Labcorp
Classification: Likely benign for Tuberous sclerosis 2. Last evaluated: 2025-04-02. Review status: criteria provided, single submitter. Criteria: Invitae Variant Classification Sherloc (09022015). Collection method: clinical testing. Allele origin: germline.

Dasa
Classification: Uncertain significance for Tuberous sclerosis 2. Last evaluated: 2025-03-17. Review status: criteria provided, single submitter. Criteria: DASA Assertion Criteria. Collection method: clinical testing. Allele origin: germline.
Comment: NM_000548.5(TSC2):c.4738C>T (p.Arg1580Trp) is a missense variant that results in the substitution of arginine with tryptophan. This variant is rare in population databases. The currently available literature and clinical evidence are not sufficient to establish a definitive association between this variant and the reported condition. Therefore, this variant is classified as a variant of uncertain significance.

Ambry Genetics
Classification: Uncertain significance for Hereditary cancer-predisposing syndrome. Last evaluated: 2024-12-23. Review status: criteria provided, single submitter. Criteria: Ambry Variant Classification Scheme 2023. Collection method: clinical testing. Allele origin: germline.
Comment: The p.R1580W variant (also known as c.4738C>T), located in coding exon 36 of the TSC2 gene, results from a C to T substitution at nucleotide position 4738. The arginine at codon 1580 is replaced by tryptophan, an amino acid with dissimilar properties. This amino acid position is poorly conserved in available vertebrate species. One functional study reported that this variant behaved similarly to wild-type as assessed by GAP activity levels (Hansmann P. et al. Structure. 2020 08;28(8):933-942). In addition, the in silico prediction for this alteration is inconclusive. Based on the available evidence, the clinical significance of this variant remains unclear.

Baylor Genetics
Classification: Uncertain significance for Isolated focal cortical dysplasia type II. Last evaluated: 2024-02-22. Review status: criteria provided, single submitter. Criteria: ACMG Guidelines, 2015. Collection method: clinical testing. Allele origin: unknown.

Genome-Nilou Lab
Classification: Likely benign for Tuberous sclerosis 2. Last evaluated: 2021-11-07. Review status: criteria provided, single submitter. Criteria: ACMG Guidelines, 2015. Collection method: clinical testing. Allele origin: germline. Affected: no.

Athena Diagnostics
Classification: Uncertain significance. Last evaluated: 2019-06-04. Review status: criteria provided, single submitter. Criteria: Athena Diagnostics Criteria. Collection method: clinical testing. Allele origin: germline.

Literature cited by the submitters: PubMed 32502382 (cited by Ambry Genetics); PubMed 23514105 (cited by Athena Diagnostics); PubMed 28250423 (cited by Athena Diagnostics); PubMed 28407358 (cited by Athena Diagnostics); PubMed 25363768 (cited by Athena Diagnostics); PubMed 22495309 (cited by Athena Diagnostics); PubMed 21520333 (cited by Athena Diagnostics).